The following is an entry in ClinVar:

ClinVar aggregate classification (germline): Uncertain significance. Review status: criteria provided, multiple submitters, no conflicts (2 of 4 stars). 2 submissions from 2 submitters: Uncertain significance (2). Last evaluated 2024-09-21.

Conditions:
Inborn genetic diseases. Identifiers: MedGen C0950123, MeSH D030342.

Allele frequency attached by ClinVar (database versions not stated): gnomAD exomes below 0.00001; gnomAD 0.00001; TOPMed 0.00001; ExAC 0.00002.
gnomAD v4.1: 3 of 1,613,366 alleles (0.00019%); highest among the groups gnomAD compares: Admixed American, 0.005%; no homozygotes.

Submissions (2):

Labcorp Genetics (formerly Invitae), Labcorp
Classification: Uncertain significance. Last evaluated: 2024-09-21. Review status: criteria provided, single submitter. Criteria: Invitae Variant Classification Sherloc (09022015). Collection method: clinical testing. Allele origin: germline.
Comment: This sequence change replaces asparagine, which is neutral and polar, with lysine, which is basic and polar, at codon 1181 of the ROBO1 protein (p.Asn1181Lys). This variant is present in population databases (rs750905412, gnomAD 0.006%). This variant has not been reported in the literature in individuals affected with ROBO1-related conditions. Invitae Evidence Modeling of protein sequence and biophysical properties (such as structural, functional, and spatial information, amino acid conservation, physicochemical variation, residue mobility, and thermodynamic stability) indicates that this missense variant is not expected to disrupt ROBO1 protein function with a negative predictive value of 95%. In summary, the available evidence is currently insufficient to determine the role of this variant in disease. Therefore, it has been classified as a Variant of Uncertain Significance.

Ambry Genetics
Classification: Uncertain significance for Inborn genetic diseases. Last evaluated: 2024-01-23. Review status: criteria provided, single submitter. Criteria: Ambry Variant Classification Scheme 2023. Collection method: clinical testing. Allele origin: germline.

NM_002941.4(ROBO1):c.3543C>G (p.Asn1181Lys)

Gene: ROBO1 (roundabout guidance receptor 1; minus strand). Cytogenetic location: 3p12.3.
Variant type: single nucleotide variant.
Coding change: c.3543C>G on transcript NM_002941.4 (MANE Select); coding-DNA position 3543, C replaced by G.
Protein change: p.Asn1181Lys; replaces asparagine 1181 with lysine.
Molecular consequence: missense variant.
Genome position (GRCh38, 1-based): chr3:78,631,244, G>C on the plus strand (C>G on the coding strand, the complement: ROBO1 is on the minus strand). VCF-style: chr3-78631244-G-C. GRCh37 (hg19) VCF-style: chr3-78680394-G-C.
Other names: c.3408C>G, p.Asn1136Lys (NM_001145844.1, NM_133631.4); c.3243C>G, p.Asn1081Lys (NM_001145845.2); short protein forms N1081K, N1136K, N1181K.
Identifiers: ClinVar variation 3155587 (VCV003155587.3), dbSNP rs750905412, ClinGen allele CA2498328.
Genomic context (GRCh38, chr3:78,631,244, plus strand): 5'-CTCTTCGCTATTGCTGTGTGGAGGAGGATGTGCTGGGGGAGGAGGAAGCAGGTCTGCCCA[G>C]TTCATGCCACCCTGTTTTGGTACCTTGGGTGTTCTTGCCCCTTTCTTGTGCCCCTGACTC-3'
Protein context (NP_002932.1, residues 1171-1191): TPKVPKQGGM[Asn1181Lys]WADLLPPPPA